The following is an entry in ClinVar:

NC_000008.10:g.(?_100026017)_(100887894_?)del

Gene: VPS13B (vacuolar protein sorting 13 homolog B; plus strand). Cytogenetic location: 8q22.2.
Variant type: Deletion.
Identifiers: ClinVar variation 1454059 (VCV001454059.5).

ClinVar aggregate classification (germline): Pathogenic (1 of 4 stars; one submission).

Conditions:
Cohen syndrome (COH1). Also called: PEPPER SYNDROME; Cutis verticis gyrata, retinitis pigmentosa, and sensorineural deafness. Identifiers: Orphanet 193, MedGen C0265223, MONDO:0008999, OMIM 216550.

Submission:

Labcorp Genetics (formerly Invitae), Labcorp
Classification: Pathogenic for Cohen syndrome. Last evaluated: 2022-05-21. Review status: criteria provided, single submitter. Criteria: Invitae Variant Classification Sherloc (09022015). Collection method: clinical testing. Allele origin: germline.
Comment: For these reasons, this variant has been classified as Pathogenic. This variant has not been reported in the literature in individuals affected with VPS13B-related conditions. A gross deletion of the genomic region encompassing the full coding sequence of the VPS13B gene has been identified. Loss-of-function variants in VPS13B are known to be pathogenic (PMID: 15141358, 16648375, 20461111). The boundaries of this event are unknown as they extend beyond the assayed region for this gene and therefore may encompass additional genes.

Literature cited by the submitters: PubMed 15141358; PubMed 16648375; PubMed 20461111.